The following is an entry in ClinVar:

ClinVar aggregate classification (germline): Benign/Likely benign. Review status: criteria provided, multiple submitters, no conflicts (2 of 4 stars). 8 submissions from 8 submitters: Benign (7); Likely benign (1). Last evaluated 2025-06-19.

Conditions:
Cardiovascular phenotype. Identifiers: MedGen CN230736.
Telangiectasia, hereditary hemorrhagic, type 1 (HHT1). Also called: Osler Weber Rendu syndrome type 1; ENG-Related Hereditary Hemorrhagic Telangiectasia. Identifiers: Orphanet 774, MedGen C4551861, MONDO:0008535, OMIM 187300. Disease mechanism: loss of function.

Allele frequency attached by ClinVar (database versions not stated): gnomAD exomes 0.00467 and 0.02813; gnomAD 0.00609; ExAC 0.01928; TOPMed 0.02042; 1000 Genomes Project 0.02336; 1000 Genomes Project 30x 0.02467; ESP Exome Variant Server 0.00039.
gnomAD v4.1: 8,599 of 1,559,734 alleles (0.55%); highest among the groups gnomAD compares: Admixed American, 14%; 628 homozygotes.

Submissions (8):

ARUP Laboratories, Molecular Genetics and Genomics, ARUP Laboratories
Classification: Benign for Telangiectasia, hereditary hemorrhagic, type 1. Last evaluated: 2025-06-19. Review status: criteria provided, single submitter. Criteria: ARUP Molecular Germline Variant Investigation Process 2024. Collection method: clinical testing. Allele origin: germline.

Blueprint Genetics
Classification: Benign. Last evaluated: 2024-11-25. Review status: criteria provided, single submitter. Criteria: ACMG Guidelines, 2015. Collection method: clinical testing. Allele origin: germline.

Mayo Clinic Laboratories, Mayo Clinic
Classification: Benign. Last evaluated: 2022-12-12. Review status: criteria provided, single submitter. Criteria: ACMG Guidelines, 2015. Collection method: clinical testing. Allele origin: germline. Observed: 34 variant alleles.
Comment: BA1

PreventionGenetics, part of Exact Sciences
Classification: Benign. Last evaluated: 2016-04-07. Review status: criteria provided, single submitter. Criteria: ACMG Guidelines, 2015. Collection method: clinical testing. Allele origin: germline.

Ambry Genetics
Classification: Benign for Cardiovascular phenotype. Last evaluated: 2015-06-08. Review status: criteria provided, single submitter. Criteria: Ambry Variant Classification Scheme 2023. Collection method: clinical testing. Allele origin: germline.

GeneDx
Classification: Benign. Last evaluated: 2015-03-03. Review status: criteria provided, single submitter. Criteria: GeneDx Variant Classification Process June 2021. Collection method: clinical testing. Allele origin: germline. Affected: yes.

Laboratory for Molecular Medicine, Mass General Brigham Personalized Medicine
Classification: Benign. Last evaluated: 2013-02-21. Review status: criteria provided, single submitter. Criteria: LMM Criteria. Collection method: clinical testing. Allele origin: germline. Observed: 2 variant alleles.
Comment: Ile644Ile in exon 15 of ENG: This variant is not expected to have clinical signi ficance because it does not alter an amino acid residue and is not located withi n the splice consensus sequence. It has been identified in 12.9% (17/132) of Mex ican chromosomes from a broad population by the 1000 Genomes Project (.; dbSNP rs181330955).

Breakthrough Genomics
Classification: Likely benign. Review status: criteria provided, single submitter. Criteria: ACMG Guidelines, 2015. Collection method: not provided. Allele origin: germline. Inheritance: Autosomal dominant inheritance. Affected: yes.

NM_001114753.3(ENG):c.1932C>T (p.Ile644=)

Gene: ENG (endoglin; minus strand). Cytogenetic location: 9q34.11.
Variant type: single nucleotide variant.
Coding change: c.1932C>T on transcript NM_001114753.3 (MANE Select); coding-DNA position 1932, C replaced by T.
Protein change: p.Ile644=; no amino-acid change (isoleucine 644 retained).
Molecular consequence: synonymous variant. On other transcripts: 3 prime UTR variant (1).
Genome position (GRCh38, 1-based): chr9:127,815,727, G>A on the plus strand (C>T on the coding strand, the complement: ENG is on the minus strand). VCF-style: chr9-127815727-G-A. GRCh37 (hg19) VCF-style: chr9-130578006-G-A.
Other names: p.Ile644=; c.*190C>T (NM_000118.4); c.1386C>T, p.Ile462= (NM_001278138.2).
Identifiers: ClinVar variation 226632 (VCV000226632.26), dbSNP rs181330955, ClinGen allele CA5252580.
Genomic context (GRCh38, chr9:127,815,727, plus strand): 5'-CGCGGGGGGCCGGGGCTATGCCATGCTGCTGGTGGAGCAGGGGGTGCTCTGGGTGCTCCC[G>A]ATGCTGTGGTTGGTGCTGCTGCTCTCCGAGGAGGCCGGGGCAGCCACCGCCACCACGGGC-3'
Protein context (NP_001108225.1, residues 634-654): SSESSSTNHS[Ile644=]GSTQSTPCST